The following is an entry in ClinVar:

NM_001024630.4(RUNX2):c.379C>T (p.Pro127Ser)

Gene: RUNX2 (RUNX family transcription factor 2; plus strand). Cytogenetic location: 6p21.1.
Variant type: single nucleotide variant.
Coding change: c.379C>T on transcript NM_001024630.4 (MANE Select); coding-DNA position 379, C replaced by T.
Protein change: p.Pro127Ser; replaces proline 127 with serine.
Molecular consequence: missense variant.
Genome position (GRCh38, 1-based): chr6:45,422,913, C>T. VCF-style: chr6-45422913-C-T. GRCh37 (hg19) VCF-style: chr6-45390650-C-T.
Other names: c.379C>T, p.Pro127Ser (NM_001015051.4); c.337C>T, p.Pro113Ser (NM_001278478.2, NM_001369405.1); short protein forms P113S, P127S.
Identifiers: ClinVar variation 4528295 (VCV004528295.1).

ClinVar aggregate classification (germline): Likely pathogenic (1 of 4 stars; one submission).

Submission:

GeneDx
Classification: Likely pathogenic. Last evaluated: 2022-03-10. Review status: criteria provided, single submitter. Criteria: GeneDx Variant Classification Process June 2021. Collection method: clinical testing. Allele origin: germline. Affected: yes.
Comment: Not observed at significant frequency in large population cohorts (gnomAD); In silico analysis, which includes protein predictors and evolutionary conservation, supports a deleterious effect; This substitution occurs with the runt domain (Uniprot); This variant is associated with the following publications: (PMID: 32075713)